The following is an entry in ClinVar:

ClinVar aggregate classification (germline): Uncertain significance (1 of 4 stars; one submission).

Conditions:
Early Myoclonic Encephalopathy. Identifiers: MedGen C0270855.

Allele frequency attached by ClinVar (database versions not stated): ExAC 0.00001.
gnomAD v4.1: 2 of 1,614,060 alleles (0.00012%); highest among the groups gnomAD compares: Admixed American, 0.0033%; no homozygotes.

Submission:

Labcorp Genetics (formerly Invitae), Labcorp
Classification: Uncertain significance for Early Myoclonic Encephalopathy. Last evaluated: 2023-11-20. Review status: criteria provided, single submitter. Criteria: Invitae Variant Classification Sherloc (09022015). Collection method: clinical testing. Allele origin: germline.
Comment: This sequence change replaces valine, which is neutral and non-polar, with phenylalanine, which is neutral and non-polar, at codon 1114 of the JMJD1C protein (p.Val1114Phe). This variant is present in population databases (rs781664751, gnomAD 0.006%). This variant has not been reported in the literature in individuals affected with JMJD1C-related conditions. Advanced modeling of protein sequence and biophysical properties (such as structural, functional, and spatial information, amino acid conservation, physicochemical variation, residue mobility, and thermodynamic stability) performed at Invitae indicates that this missense variant is not expected to disrupt JMJD1C protein function with a negative predictive value of 80%. In summary, the available evidence is currently insufficient to determine the role of this variant in disease. Therefore, it has been classified as a Variant of Uncertain Significance.

NM_032776.3(JMJD1C):c.3340G>T (p.Val1114Phe)

Gene: JMJD1C (jumonji domain containing 1C; minus strand). Cytogenetic location: 10q21.3.
Variant type: single nucleotide variant.
Coding change: c.3340G>T on transcript NM_032776.3 (MANE Select); coding-DNA position 3340, G replaced by T.
Protein change: p.Val1114Phe; replaces valine 1114 with phenylalanine.
Molecular consequence: missense variant. On other transcripts: non-coding transcript variant (1).
Genome position (GRCh38, 1-based): chr10:63,208,329, C>A on the plus strand (G>T on the coding strand, the complement: JMJD1C is on the minus strand). VCF-style: chr10-63208329-C-A. GRCh37 (hg19) VCF-style: chr10-64968089-C-A.
Other names: c.2794G>T, p.Val932Phe (NM_001282948.2, NM_001318154.2); c.2476G>T, p.Val826Phe (NM_001318153.2); c.3226G>T, p.Val1076Phe (NM_001322252.2); c.2683G>T, p.Val895Phe (NM_001322254.2, NM_001322258.2); short protein forms V826F, V1114F, V932F, V895F, V1076F.
Identifiers: ClinVar variation 2773045 (VCV002773045.3), dbSNP rs781664751, ClinGen allele CA5518452.